The following is an entry in ClinVar:

NM_020937.4(FANCM):c.5339A>G (p.Lys1780Arg)

Gene: FANCM (FA complementation group M; plus strand). Cytogenetic location: 14q21.2.
Variant type: single nucleotide variant.
Coding change: c.5339A>G on transcript NM_020937.4 (MANE Select); coding-DNA position 5339, A replaced by G.
Protein change: p.Lys1780Arg; replaces lysine 1780 with arginine.
Molecular consequence: missense variant.
Genome position (GRCh38, 1-based): chr14:45,189,361, A>G. VCF-style: chr14-45189361-A-G. GRCh37 (hg19) VCF-style: chr14-45658564-A-G.
Other names: c.5261A>G, p.Lys1754Arg (NM_001308133.2); short protein forms K1780R, K1754R.
Identifiers: ClinVar variation 5021516 (VCV005021516.1).

ClinVar aggregate classification (germline): Uncertain significance (1 of 4 stars; one submission).

Conditions:
Inborn genetic diseases. Identifiers: MedGen C0950123, MeSH D030342.

gnomAD v4.1: 1 of 1,603,808 alleles (0.000062%); no homozygotes.

Submission:

Ambry Genetics
Classification: Uncertain significance for Inborn genetic diseases. Last evaluated: 2026-08-25. Review status: criteria provided, single submitter. Criteria: Ambry Variant Classification Scheme 2023. Collection method: clinical testing. Allele origin: germline.
Comment: The p.K1780R variant (also known as c.5339A>G), located in coding exon 20 of the FANCM gene, results from an A to G substitution at nucleotide position 5339. The lysine at codon 1780 is replaced by arginine, an amino acid with highly similar properties. This amino acid position is conserved. In addition, this alteration is predicted to be tolerated by in silico analysis. Based on the available evidence, the clinical significance of this variant remains unclear.